The following is an entry in ClinVar:

NM_007194.4(CHEK2):c.993G>T (p.Met331Ile)

Gene: CHEK2 (checkpoint kinase 2; minus strand). Cytogenetic location: 22q12.1.
Variant type: single nucleotide variant.
Coding change: c.993G>T on transcript NM_007194.4 (MANE Select); coding-DNA position 993, G replaced by T.
Protein change: p.Met331Ile; replaces methionine 331 with isoleucine.
Molecular consequence: missense variant.
Genome position (GRCh38, 1-based): chr22:28,699,853, C>A on the plus strand (G>T on the coding strand, the complement: CHEK2 is on the minus strand). VCF-style: chr22-28699853-C-A. GRCh37 (hg19) VCF-style: chr22-29095841-C-A.
Other names: c.1122G>T, p.Met374Ile (NM_001005735.3); c.330G>T, p.Met110Ile (NM_001257387.3); c.792G>T, p.Met264Ile (NM_001349956.3); c.993G>T, p.Met331Ile (NM_145862.3); short protein forms M331I, M374I, M110I, M264I.
Identifiers: ClinVar variation 3492178 (VCV003492178.1).

ClinVar aggregate classification (germline): Uncertain significance (1 of 4 stars; one submission).

Conditions:
Hereditary cancer-predisposing syndrome. Also called: Tumor predisposition; Neoplastic Syndromes, Hereditary; Hereditary Cancer Syndrome; Hereditary neoplastic syndrome. Identifiers: Orphanet 140162, MedGen C0027672, MeSH D009386, MONDO:0015356.

Submission:

Ambry Genetics
Classification: Uncertain significance for Hereditary cancer-predisposing syndrome. Last evaluated: 2024-08-07. Review status: criteria provided, single submitter. Criteria: Ambry Variant Classification Scheme 2023. Collection method: clinical testing. Allele origin: germline.
Comment: The p.M331I variant (also known as c.993G>T), located in coding exon 8 of the CHEK2 gene, results from a G to T substitution at nucleotide position 993. The methionine at codon 331 is replaced by isoleucine, an amino acid with highly similar properties. This amino acid position is conserved. In addition, the in silico prediction for this alteration is inconclusive. Based on the available evidence, the clinical significance of this variant remains unclear.